The following is an entry in ClinVar:

ClinVar aggregate classification (germline): Uncertain significance (1 of 4 stars; one submission).

Conditions:
Chédiak-Higashi syndrome (CHS). Also called: Chediak-Higashi Syndrome. Identifiers: Orphanet 167, MedGen C0007965, MONDO:0008963, OMIM 214500.

Submission:

Labcorp Genetics (formerly Invitae), Labcorp
Classification: Uncertain significance for Chédiak-Higashi syndrome. Last evaluated: 2023-12-01. Review status: criteria provided, single submitter. Criteria: Invitae Variant Classification Sherloc (09022015). Collection method: clinical testing. Allele origin: germline.
Comment: This sequence change replaces glutamic acid, which is acidic and polar, with valine, which is neutral and non-polar, at codon 109 of the LYST protein (p.Glu109Val). This variant is not present in population databases (gnomAD no frequency). This variant has not been reported in the literature in individuals affected with LYST-related conditions. Advanced modeling of protein sequence and biophysical properties (such as structural, functional, and spatial information, amino acid conservation, physicochemical variation, residue mobility, and thermodynamic stability) has been performed at Invitae for this missense variant, however the output from this modeling did not meet the statistical confidence thresholds required to predict the impact of this variant on LYST protein function. In summary, the available evidence is currently insufficient to determine the role of this variant in disease. Therefore, it has been classified as a Variant of Uncertain Significance.

NM_000081.4(LYST):c.326A>T (p.Glu109Val)

Gene: LYST (lysosomal trafficking regulator; minus strand). Cytogenetic location: 1q42.3.
Variant type: single nucleotide variant.
Coding change: c.326A>T on transcript NM_000081.4 (MANE Select); coding-DNA position 326, A replaced by T.
Protein change: p.Glu109Val; replaces glutamic acid 109 with valine.
Molecular consequence: missense variant.
Genome position (GRCh38, 1-based): chr1:235,810,492, T>A on the plus strand (A>T on the coding strand, the complement: LYST is on the minus strand). VCF-style: chr1-235810492-T-A. GRCh37 (hg19) VCF-style: chr1-235973792-T-A.
Other names: c.326A>T, p.Glu109Val (NM_001301365.1); short protein forms E109V.
Identifiers: ClinVar variation 2699981 (VCV002699981.3), dbSNP rs2527133455, ClinGen allele CA344965460.